The following is an entry in ClinVar:

NM_015271.5(TRIM2):c.636C>A (p.Phe212Leu)

Gene: TRIM2 (tripartite motif containing 2; plus strand). Cytogenetic location: 4q31.3.
Variant type: single nucleotide variant.
Coding change: c.636C>A on transcript NM_015271.5 (MANE Select); coding-DNA position 636, C replaced by A.
Protein change: p.Phe212Leu; replaces phenylalanine 212 with leucine.
Molecular consequence: missense variant. On other transcripts: intron variant (2).
Genome position (GRCh38, 1-based): chr4:153,294,335, C>A. VCF-style: chr4-153294335-C-A. GRCh37 (hg19) VCF-style: chr4-154215487-C-A.
Other names: c.726C>A, p.Phe242Leu (NM_001375489.1); c.636C>A, p.Phe212Leu (NM_001375490.1); c.633C>A, p.Phe211Leu (NM_001375491.1); c.555C>A, p.Phe185Leu (NM_001375512.1, NM_001375513.1, NM_001375514.1 and 5 more transcripts); c.297C>A, p.Phe99Leu (NM_001375522.1, NM_001375523.1, NM_001375525.1); c.454-978C>A (NM_001375519.1); c.451-978C>A (NM_001375520.1); c.180C>A, p.Phe60Leu (NM_001351057.2); and 3 more; short protein forms F203L, F212L, F242L, F243L, F185L, F211L, F60L, F202L.
Identifiers: ClinVar variation 2797372 (VCV002797372.3), dbSNP rs2546518157, ClinGen allele CA358471915.

ClinVar aggregate classification (germline): Uncertain significance (1 of 4 stars; one submission).

Conditions:
Charcot-Marie-Tooth disease type 2R. Also called: CHARCOT-MARIE-TOOTH NEUROPATHY, TYPE 2R; CHARCOT-MARIE-TOOTH DISEASE, AXONAL, AUTOSOMAL RECESSIVE, TYPE 2R; Charcot-Marie-Tooth disease, axonal, type 2R. Identifiers: Orphanet 397968, MedGen C3809655, MONDO:0014208, OMIM 615490.

Submission:

Labcorp Genetics (formerly Invitae), Labcorp
Classification: Uncertain significance for Charcot-Marie-Tooth disease type 2R. Last evaluated: 2023-03-24. Review status: criteria provided, single submitter. Criteria: Invitae Variant Classification Sherloc (09022015). Collection method: clinical testing. Allele origin: germline.
Comment: This sequence change replaces phenylalanine, which is neutral and non-polar, with leucine, which is neutral and non-polar, at codon 185 of the TRIM2 protein (p.Phe185Leu). This variant is not present in population databases (gnomAD no frequency). This variant has not been reported in the literature in individuals affected with TRIM2-related conditions. An algorithm developed to predict the effect of missense changes on protein structure and function (PolyPhen-2) suggests that this variant is likely to be tolerated. Algorithms developed to predict the effect of sequence changes on RNA splicing suggest that this variant may create or strengthen a splice site. In summary, the available evidence is currently insufficient to determine the role of this variant in disease. Therefore, it has been classified as a Variant of Uncertain Significance.